The following is an entry in ClinVar:

ClinVar aggregate classification (germline): Likely benign. Review status: criteria provided, multiple submitters, no conflicts (2 of 4 stars). 5 submissions from 5 submitters: Likely benign (4). 1 of the submissions does not count toward it. Last evaluated 2025-03-20.

Conditions:
CHARGE syndrome (CHARGE). Also called: CHARGE ASSOCIATION--COLOBOMA, HEART ANOMALY, CHOANAL ATRESIA, RETARDATION, GENITAL AND EAR ANOMALIES; Coloboma, heart anomaly, choanal atresia, retardation, genital and ear anomalies; CHARGE association; Hall-Hittner syndrome; Hittner Hirsch Kreh syndrome. Identifiers: Orphanet 138, MedGen C0265354, MONDO:0008965.
CHD7-related disorder. Also called: CHD7-related condition.

Allele frequency attached by ClinVar (database versions not stated): TOPMed 0.00001; ExAC 0.00003; gnomAD 0.00003 and 0.00004; gnomAD exomes 0.00006 and 0.00010.
gnomAD v4.1: 63 of 1,613,946 alleles (0.0039%); highest among the groups gnomAD compares: Non-Finnish European, 0.0053%; no homozygotes.

Submissions (5):

Labcorp Genetics (formerly Invitae), Labcorp
Classification: Likely benign for CHARGE syndrome. Last evaluated: 2025-03-20. Review status: criteria provided, single submitter. Criteria: Invitae Variant Classification Sherloc (09022015). Collection method: clinical testing. Allele origin: germline.

Blueprint Genetics
Classification: Likely benign. Last evaluated: 2024-11-26. Review status: criteria provided, single submitter. Criteria: ACMG Guidelines, 2015. Collection method: clinical testing. Allele origin: germline.

Genetic Services Laboratory, University of Chicago
Classification: Likely benign. Last evaluated: 2018-03-27. Review status: criteria provided, single submitter. Criteria: ACMG Guidelines, 2015. Collection method: clinical testing. Allele origin: germline. Affected: no.

GeneDx
Classification: Likely benign. Last evaluated: 2016-02-23. Review status: criteria provided, single submitter. Criteria: GeneDx Variant Classification (06012015). Collection method: clinical testing. Allele origin: germline. Affected: yes.
Comment: This variant is considered likely benign or benign based on one or more of the following criteria: it is a conservative change, it occurs at a poorly conserved position in the protein, it is predicted to be benign by multiple in silico algorithms, and/or has population frequency not consistent with disease.

PreventionGenetics, part of Exact Sciences
Classification: Likely benign for CHD7-related condition. Last evaluated: 2022-10-12. Review status: no assertion criteria provided. Collection method: clinical testing. Allele origin: germline. Not counted in ClinVar's aggregate classification.
Comment: This variant is classified as likely benign based on ACMG/AMP sequence variant interpretation guidelines (Richards et al. 2015 PMID: 25741868, with internal and published modifications).

NM_017780.4(CHD7):c.7332A>G (p.Leu2444=)

Gene: CHD7 (chromodomain helicase DNA binding protein 7; plus strand). Cytogenetic location: 8q12.2.
Variant type: single nucleotide variant.
Coding change: c.7332A>G on transcript NM_017780.4 (MANE Select); coding-DNA position 7332, A replaced by G.
Protein change: p.Leu2444=; no amino-acid change (leucine 2444 retained).
Molecular consequence: synonymous variant. On other transcripts: intron variant (1).
Genome position (GRCh38, 1-based): chr8:60,856,612, A>G. VCF-style: chr8-60856612-A-G. GRCh37 (hg19) VCF-style: chr8-61769171-A-G.
Other names: c.1717-5617A>G (NM_001316690.1); c.7332A>G (LRG_176t1).
Identifiers: ClinVar variation 380479 (VCV000380479.12), dbSNP rs764110898, ClinGen allele CA4760793.
Genomic context (GRCh38, chr8:60,856,612, plus strand): 5'-TGCCCAGCTTCGAGAGTCTCAGGTGGTCTCAGAAAATGGACAAGAAAAAGTTGTAGATTT[A>G]TCAAAGGCCTCAAGAGAGGCAACAAGCTCTACCTCAAATTTTTCATCTCTTTCTTCAAAG-3'
Protein context (NP_060250.2, residues 2434-2454): SENGQEKVVD[Leu2444=]SKASREATSS